The following is an entry in ClinVar:

ClinVar aggregate classification (germline): Likely pathogenic (0 of 4 stars; one submission).

Conditions:
COL1A2-related disorder. Also called: COL1A2-Related Disorders; COL1A2-related condition.

Submission:

PreventionGenetics, part of Exact Sciences
Classification: Likely pathogenic for COL1A2-related condition. Last evaluated: 2023-12-18. Review status: no assertion criteria provided. Collection method: clinical testing. Allele origin: germline.
Comment: The COL1A2 c.1217G>A variant is predicted to result in the amino acid substitution p.Gly406Asp. To our knowledge, this variant has not been reported in the literature or in a large population database, indicating this variant is rare. The p.Gly406Asp residue is located in the conserved Gly-Xaa-Yaa triple helical domain where substitutions of a glycine are usually pathogenic (Marini et al. 2007. PubMed ID: 17078022). This variant is interpreted as likely pathogenic.

NM_000089.4(COL1A2):c.1217G>A (p.Gly406Asp)

Gene: COL1A2 (collagen type I alpha 2 chain; plus strand). Cytogenetic location: 7q21.3.
Variant type: single nucleotide variant.
Coding change: c.1217G>A on transcript NM_000089.4 (MANE Select); coding-DNA position 1217, G replaced by A.
Protein change: p.Gly406Asp; replaces glycine 406 with aspartic acid.
Molecular consequence: missense variant.
Genome position (GRCh38, 1-based): chr7:94,410,908, G>A. VCF-style: chr7-94410908-G-A. GRCh37 (hg19) VCF-style: chr7-94040220-G-A.
Other names: short protein forms G406D.
Identifiers: ClinVar variation 3031364 (VCV003031364.2), dbSNP rs2484710174, ClinGen allele CA368221395.